The following is an entry in ClinVar:

NM_006904.7(PRKDC):c.3706C>G (p.Leu1236Val)

Gene: PRKDC (protein kinase, DNA-activated, catalytic subunit; minus strand). Cytogenetic location: 8q11.21.
Variant type: single nucleotide variant.
Coding change: c.3706C>G on transcript NM_006904.7 (MANE Select); coding-DNA position 3706, C replaced by G.
Protein change: p.Leu1236Val; replaces leucine 1236 with valine.
Molecular consequence: missense variant.
Genome position (GRCh38, 1-based): chr8:47,893,280, G>C on the plus strand (C>G on the coding strand, the complement: PRKDC is on the minus strand). VCF-style: chr8-47893280-G-C. GRCh37 (hg19) VCF-style: chr8-48805840-G-C.
Other names: c.3706C>G, p.Leu1236Val (NM_001081640.2); short protein forms L1236V.
Identifiers: ClinVar variation 1734142 (VCV001734142.2), dbSNP rs2089504083, ClinGen allele CA371150639.
Genomic context (GRCh38, chr8:47,893,280, plus strand): 5'-AGCATAGCGTGGCCTGCAGGCTGAATGGCCCCCGAAGGTACAAGAGGGTGGGCTGGGCCA[G>C]GATGCCCGAGGGCTGGCCACAGCCACCCCCCTCAAAGGTGTTGATGAGAAAAGAGACACC-3'
Protein context (NP_008835.5, residues 1226-1246): GGGCGQPSGI[Leu1236Val]AQPTLLYLRG

ClinVar aggregate classification (germline): Uncertain significance (1 of 4 stars; one submission).

Allele frequency attached by ClinVar (database versions not stated): TOPMed below 0.00001.

Submission:

Ambry Genetics
Classification: Uncertain significance. Last evaluated: 2021-08-11. Review status: criteria provided, single submitter. Criteria: Ambry Variant Classification Scheme 2023. Collection method: clinical testing. Allele origin: germline.
Comment: The p.L1236V variant (also known as c.3706C>G), located in coding exon 31 of the PRKDC gene, results from a C to G substitution at nucleotide position 3706. The leucine at codon 1236 is replaced by valine, an amino acid with highly similar properties. This amino acid position is conserved. In addition, this alteration is predicted to be tolerated by in silico analysis. Since supporting evidence is limited at this time, the clinical significance of this alteration remains unclear.